The following is an entry in ClinVar:

ClinVar aggregate classification (germline): Uncertain significance (1 of 4 stars; one submission).

Conditions:
RASopathy. Also called: rasopathies; Noonan spectrum disorder. Identifiers: Orphanet 536391, MedGen C5555857, MONDO:0021060.

Submission:

Labcorp Genetics (formerly Invitae), Labcorp
Classification: Uncertain significance for RASopathy. Last evaluated: 2021-05-16. Review status: criteria provided, single submitter. Criteria: Invitae Variant Classification Sherloc (09022015). Collection method: clinical testing. Allele origin: germline.
Comment: In summary, the available evidence is currently insufficient to determine the role of this variant in disease. Therefore, it has been classified as a Variant of Uncertain Significance. Advanced modeling of protein sequence and biophysical properties (such as structural, functional, and spatial information, amino acid conservation, physicochemical variation, residue mobility, and thermodynamic stability) performed at Invitae indicates that this missense variant is expected to disrupt PTPN11 protein function. This variant has not been reported in the literature in individuals with PTPN11-related conditions. This variant is not present in population databases (ExAC no frequency). This sequence change replaces aspartic acid with glycine at codon 485 of the PTPN11 protein (p.Asp485Gly). The aspartic acid residue is highly conserved and there is a moderate physicochemical difference between aspartic acid and glycine.

NM_002834.5(PTPN11):c.1454A>G (p.Asp485Gly)

Gene: PTPN11 (protein tyrosine phosphatase non-receptor type 11; plus strand). Cytogenetic location: 12q24.13.
Variant type: single nucleotide variant.
Coding change: c.1454A>G on transcript NM_002834.5 (MANE Select); coding-DNA position 1454, A replaced by G.
Protein change: p.Asp485Gly; replaces aspartic acid 485 with glycine.
Molecular consequence: missense variant.
Genome position (GRCh38, 1-based): chr12:112,489,030, A>G. VCF-style: chr12-112489030-A-G. GRCh37 (hg19) VCF-style: chr12-112926834-A-G.
Other names: c.1466A>G, p.Asp489Gly (NM_001330437.2); c.1451A>G, p.Asp484Gly (NM_001374625.1); short protein forms D484G, D489G, D485G.
Identifiers: ClinVar variation 1506056 (VCV001506056.8), dbSNP rs2135916057, ClinGen allele CA386779674.